The following is an entry in ClinVar:

ClinVar aggregate classification (germline): Benign/Likely benign. Review status: criteria provided, multiple submitters, no conflicts (2 of 4 stars). 13 submissions from 13 submitters: Benign (6); Likely benign (5). 2 of the submissions do not count toward it. Last evaluated 2026-02-02.

Conditions:
Ehlers-Danlos syndrome (EDS). Identifiers: Orphanet 98249, MedGen C0013720, MONDO:0020066.
Familial thoracic aortic aneurysm and aortic dissection (TAAD). Also called: Thoracic aortic aneurysms and dissections. Identifiers: Orphanet 91387, MedGen C4707243, MONDO:0019625.

Submissions (13):

Labcorp Genetics (formerly Invitae), Labcorp
Classification: Likely benign for Familial thoracic aortic aneurysm and aortic dissection. Last evaluated: 2026-02-02. Review status: criteria provided, single submitter. Criteria: Invitae Variant Classification Sherloc (09022015). Collection method: clinical testing. Allele origin: germline.

ARUP Laboratories, Molecular Genetics and Genomics, ARUP Laboratories
Classification: Benign. Last evaluated: 2025-07-24. Review status: criteria provided, single submitter. Criteria: ARUP Molecular Germline Variant Investigation Process 2024. Collection method: clinical testing. Allele origin: germline.

Blueprint Genetics
Classification: Likely benign. Last evaluated: 2024-11-27. Review status: criteria provided, single submitter. Criteria: ACMG Guidelines, 2015. Collection method: clinical testing. Allele origin: germline.

CeGaT Center for Human Genetics Tuebingen
Classification: Benign. Last evaluated: 2024-10-01. Review status: criteria provided, single submitter. Criteria: CeGaT Center For Human Genetics Tuebingen Variant Classification Criteria Version 2. Collection method: clinical testing. Allele origin: germline. Affected: yes. Observed: 1 variant allele.
Comment: TGFBR1: BP3, BS1, BS2

Mayo Clinic Laboratories, Mayo Clinic
Classification: Benign. Last evaluated: 2024-04-10. Review status: criteria provided, single submitter. Criteria: ACMG Guidelines, 2015. Collection method: clinical testing. Allele origin: germline. Observed: 5 variant alleles.
Comment: BS1, BS2, BP3

Genome Diagnostics Laboratory, The Hospital for Sick Children
Classification: Likely benign for Ehlers-Danlos syndrome. Last evaluated: 2020-04-01. Review status: criteria provided, single submitter. Criteria: ACMG Guidelines, 2015. Collection method: clinical testing. Allele origin: germline.

GeneDx
Classification: Benign. Last evaluated: 2019-05-15. Review status: criteria provided, single submitter. Criteria: GeneDx Variant Classification Process June 2021. Collection method: clinical testing. Allele origin: germline. Affected: yes.

CHEO Genetics Diagnostic Laboratory, Children's Hospital of Eastern Ontario
Classification: Benign for Familial thoracic aortic aneurysm and aortic dissection. Last evaluated: 2018-04-11. Review status: criteria provided, single submitter. Criteria: ACMG Guidelines, 2015. Collection method: clinical testing. Allele origin: germline.

Ambry Genetics
Classification: Benign for Familial thoracic aortic aneurysm and aortic dissection. Last evaluated: 2018-04-03. Review status: criteria provided, single submitter. Criteria: Ambry Variant Classification Scheme 2023. Collection method: clinical testing. Allele origin: germline.

Eurofins Ntd Llc (ga)
Classification: Likely benign. Last evaluated: 2015-09-10. Review status: criteria provided, single submitter. Criteria: EGL Classification Definitions 2015. Collection method: clinical testing. Allele origin: germline. Observed: 2 variant alleles, 2 heterozygotes.

PreventionGenetics, part of Exact Sciences
Classification: Likely benign. Review status: criteria provided, single submitter. Criteria: ACMG Guidelines, 2015. Collection method: clinical testing. Allele origin: germline.

Genome Diagnostics Laboratory, Amsterdam University Medical Center
Classification: Benign. Review status: no assertion criteria provided. Collection method: clinical testing. Allele origin: germline. Affected: yes. Study: VKGL Data-share Consensus. Not counted in ClinVar's aggregate classification.

Laboratory of Diagnostic Genome Analysis, Leiden University Medical Center (LUMC)
Classification: Likely benign. Review status: no assertion criteria provided. Collection method: clinical testing. Allele origin: germline. Affected: yes. Study: VKGL Data-share Consensus. Not counted in ClinVar's aggregate classification.

NM_004612.4(TGFBR1):c.52GCG[8] (p.Ala26del)

Gene: TGFBR1 (transforming growth factor beta receptor 1; plus strand). Cytogenetic location: 9q22.33.
Variant type: Microsatellite.
Coding change: c.52GCG[8] on transcript NM_004612.4 (MANE Select); eight copies in a row of the 3-base unit GCG starting at c.52; the reference has nine copies in a row; one copy, 3 bases deleted; also written c.76_78del.
Protein change: p.Ala26del; deletes alanine 26.
Molecular consequence: inframe deletion.
Genome position (GRCh38, 1-based): chr9:99,105,281-99,105,283, GCG deleted; deleting any 3 consecutive bases within chr9:99,105,256-99,105,283 gives the same sequence; the position shown is the placement nearest the transcript's 3' end. VCF-style (leftmost placement, unchanged base first): chr9-99105255-TGGC-T. GRCh37 (hg19) VCF-style: chr9-101867537-TGGC-T.
Other names: p.Ala26del; c.52GCG[8], p.Ala26del (NM_001306210.2, NM_001130916.3); c.76_78del (NM_004612.2, NM_004612.4); short protein forms A26del.
Identifiers: ClinVar variation 213863 (VCV000213863.56), dbSNP rs11466445, ClinGen allele CA324275.